The following is an entry in ClinVar:

ClinVar aggregate classification (germline): Uncertain significance. Review status: criteria provided, single submitter (1 of 4 stars). 2 submissions from 2 submitters: Uncertain significance (1). 1 of the submissions does not count toward it. Last evaluated 2023-11-25.

Conditions:
Retinal dystrophy. Also called: Inherited retinal dystrophy. Identifiers: Orphanet 71862, MedGen C0854723, MeSH D058499, MONDO:0019118, HP:0000556.

Submissions (2):

Labcorp Genetics (formerly Invitae), Labcorp
Classification: Uncertain significance. Last evaluated: 2023-11-25. Review status: criteria provided, single submitter. Criteria: Invitae Variant Classification Sherloc (09022015). Collection method: clinical testing. Allele origin: germline.
Comment: This variant, c.921_923del, results in the deletion of 1 amino acid(s) of the CWC27 protein (p.Lys308del), but otherwise preserves the integrity of the reading frame. This variant is not present in population databases (gnomAD no frequency). This variant has not been reported in the literature in individuals affected with CWC27-related conditions. Experimental studies and prediction algorithms are not available or were not evaluated, and the functional significance of this variant is currently unknown. In summary, the available evidence is currently insufficient to determine the role of this variant in disease. Therefore, it has been classified as a Variant of Uncertain Significance.

Institute of Human Genetics, Univ. Regensburg, Univ. Regensburg
Classification: Uncertain significance for Retinal dystrophy. Last evaluated: 2023-01-01. Review status: no assertion criteria provided. Criteria: ACMG Guidelines, 2015. Collection method: clinical testing. Allele origin: germline. Affected: yes. Not counted in ClinVar's aggregate classification.

NM_005869.4(CWC27):c.918GAA[1] (p.Lys308del)

Gene: CWC27 (CWC27 spliceosome associated cyclophilin; plus strand). Cytogenetic location: 5q12.3.
Variant type: Microsatellite.
Coding change: c.918GAA[1] on transcript NM_005869.4 (MANE Select); one copy of the 3-base unit GAA starting at c.918; the reference has two copies in a row; one copy, 3 bases deleted; also written c.921_923del.
Protein change: p.Lys308del; deletes lysine 308.
Molecular consequence: inframe deletion.
Genome position (GRCh38, 1-based): chr5:64,804,369-64,804,371, GAA deleted; deleting any 3 consecutive bases within chr5:64,804,365-64,804,371 gives the same sequence; the position shown is the placement nearest the transcript's 3' end. VCF-style (leftmost placement, unchanged base first): chr5-64804364-GAGA-G. GRCh37 (hg19) VCF-style: chr5-64100191-GAGA-G.
Other names: c.918GAA[1], p.Lys308del (NM_001297644.1, NM_001297645.2, NM_001318000.2 and 1 more transcripts); c.921_923del (NM_005869.4); short protein forms K308del.
Identifiers: ClinVar variation 2187288 (VCV002187288.4), dbSNP rs1367503347, ClinGen allele CA813081114.